The following is an entry in ClinVar:

NM_001401501.2(MUC16):c.8478G>A (p.Met2826Ile)

Gene: MUC16 (mucin 16, cell surface associated; minus strand). Cytogenetic location: 19p13.2.
Variant type: single nucleotide variant.
Coding change: c.8478G>A on transcript NM_001401501.2 (MANE Select); coding-DNA position 8478, G replaced by A.
Protein change: p.Met2826Ile; replaces methionine 2826 with isoleucine.
Molecular consequence: missense variant.
Genome position (GRCh38, 1-based): chr19:8,972,781, C>T on the plus strand (G>A on the coding strand, the complement: MUC16 is on the minus strand). VCF-style: chr19-8972781-C-T. GRCh37 (hg19) VCF-style: chr19-9083457-C-T.
Other names: c.8904G>A, p.Met2968Ile (NM_001414686.1); c.8358G>A, p.Met2786Ile (NM_001414687.1, NM_024690.2); short protein forms M2786I, M2826I, M2968I.
Identifiers: ClinVar variation 3060486 (VCV003060486.2), dbSNP rs17000886, ClinGen allele CA9171983.
Genomic context (GRCh38, chr19:8,972,781, plus strand): 5'-AGTGGACCCACTTCTGATTCCTCCAGAGCTAGCCATACCCTGGCTTCCTGTGGTTAGTGG[C>T]ATCACAGATGCCCTCTCAAGCCCAGCTGATGAGTCTACCAAAGCCGTTGTCTCTGAGTTT-3'
Protein context (NP_001388430.1, residues 2816-2836): SSAGLERASV[Met2826Ile]PLTTGSQGMA

ClinVar aggregate classification (germline): Benign (0 of 4 stars; one submission).

Conditions:
MUC16-related disorder. Also called: MUC16-related condition.

Allele frequency attached by ClinVar (database versions not stated): gnomAD 0.16359; TOPMed 0.16406; gnomAD exomes 0.18530; ESP Exome Variant Server 0.14664; 1000 Genomes Project 30x 0.18691; 1000 Genomes Project 0.19030; ExAC 0.19524.

Submission:

PreventionGenetics, part of Exact Sciences
Classification: Benign for MUC16-related condition. Last evaluated: 2019-10-18. Review status: no assertion criteria provided. Collection method: clinical testing. Allele origin: germline.
Comment: This variant is classified as benign based on ACMG/AMP sequence variant interpretation guidelines (Richards et al. 2015 PMID: 25741868, with internal and published modifications).